The following is an entry in ClinVar:

NM_017654.4(SAMD9):c.4102G>A (p.Glu1368Lys)

Gene: SAMD9 (sterile alpha motif domain containing 9; minus strand). Cytogenetic location: 7q21.2.
Variant type: single nucleotide variant.
Coding change: c.4102G>A on transcript NM_017654.4 (MANE Select); coding-DNA position 4102, G replaced by A.
Protein change: p.Glu1368Lys; replaces glutamic acid 1368 with lysine.
Molecular consequence: missense variant.
Genome position (GRCh38, 1-based): chr7:93,101,996, C>T on the plus strand (G>A on the coding strand, the complement: SAMD9 is on the minus strand). VCF-style: chr7-93101996-C-T. GRCh37 (hg19) VCF-style: chr7-92731309-C-T.
Other names: p.Glu1368Lys; c.4102G>A, p.Glu1368Lys (NM_001193307.2); short protein forms E1368K.
Identifiers: ClinVar variation 70729 (VCV000070729.46), dbSNP rs138600971, ClinGen allele CA4342597.
Genomic context (GRCh38, chr7:93,101,996, plus strand): 5'-AATTTAGCTTTTCTTTTGACTGGATTTTGACAGTGCATTGTTCTAAGAGAAAAGTATATT[C>T]GTTCACTATACATTTCATAGTGCTTATAGCATCCTCTTGACTTTTGATAAGATATTCCAA-3'
Protein context (NP_060124.2, residues 1358-1378): AISTMKCIVN[Glu1368Lys]YTFLLEQCTV

ClinVar aggregate classification (germline): Benign/Likely benign. Review status: criteria provided, multiple submitters, no conflicts (2 of 4 stars). 11 submissions from 11 submitters: Benign (2); Likely benign (6). 3 of the submissions do not count toward it. Last evaluated 2026-09-01.

Conditions:
MIRAGE syndrome. Also called: MYELODYSPLASIA, INFECTION, RESTRICTION OF GROWTH, ADRENAL HYPOPLASIA, GENITAL PHENOTYPES, AND ENTEROPATHY. Identifiers: Orphanet 494433, MedGen C4284088, MONDO:0014888, OMIM 617053.
Normophosphatemic familial tumoral calcinosis. Also called: CALCINOSIS, TUMORAL, WITH NORMOPHOSPHATEMIA. Identifiers: Orphanet 306658, Orphanet 53715, MedGen C1864861, MONDO:0012502, OMIM 610455.
Monosomy 7 myelodysplasia and leukemia syndrome 2. Identifiers: MedGen C5436668, MONDO:0030801, OMIM 619041.
SAMD9-related disorder. Also called: SAMD9-related condition.

Allele frequency attached by ClinVar (database versions not stated): gnomAD exomes 0.00144 and 0.00193; gnomAD 0.00149 and 0.00155; TOPMed 0.00155; ESP Exome Variant Server 0.00169; 1000 Genomes Project 30x 0.00016; 1000 Genomes Project 0.00020; ExAC 0.00141.
gnomAD v4.1: 3,024 of 1,613,526 alleles (0.19%); highest among the groups gnomAD compares: Non-Finnish European, 0.23%; 7 homozygotes.

Submissions (11):

CeGaT Center for Human Genetics Tuebingen
Classification: Likely benign. Last evaluated: 2026-09-01. Review status: criteria provided, single submitter. Criteria: CeGaT Center For Human Genetics Tuebingen Variant Classification Criteria Version 2. Collection method: clinical testing. Allele origin: germline. Affected: yes. Observed: 8 variant alleles.
Comment: SAMD9: BP4, BS1

Labcorp Genetics (formerly Invitae), Labcorp
Classification: Likely benign. Last evaluated: 2026-02-02. Review status: criteria provided, single submitter. Criteria: Invitae Variant Classification Sherloc (09022015). Collection method: clinical testing. Allele origin: germline.

Mayo Clinic Laboratories, Mayo Clinic
Classification: Likely benign. Last evaluated: 2025-09-16. Review status: criteria provided, single submitter. Criteria: ACMG Guidelines, 2015. Collection method: clinical testing. Allele origin: germline. Observed: 1 variant allele.
Comment: BS1, BP4_moderate

Blueprint Genetics
Classification: Likely benign. Last evaluated: 2024-11-21. Review status: criteria provided, single submitter. Criteria: ACMG Guidelines, 2015. Collection method: clinical testing. Allele origin: germline.

Genetic Services Laboratory, University of Chicago
Classification: Benign. Last evaluated: 2021-06-15. Review status: criteria provided, single submitter. Criteria: ACMG Guidelines, 2015. Collection method: clinical testing. Allele origin: germline. Affected: no.
Comment: DNA sequence analysis of the SAMD9 gene demonstrated a sequence change, c.4102G>A, in exon 3 that results in an amino acid change, p.Glu1368Lys. This sequence change does not appear to have been previously described in patients with SAMD9-related disorders and has been described in the gnomAD database with a population frequency of 0.26% in non-Finnish European subpopulation (dbSNP NA). The p.Glu1368Lys change affects a poorly conserved amino acid residue located in a domain of the SAMD9 protein that is not known to be functional. The p.Glu1368Lys substitution appears to be benign using several in-silico pathogenicity prediction tools (SIFT, PolyPhen2, Align GVGD, REVEL). Due to these contrasting evidences and the lack of functional studies, the clinical significance of the p.Glu1368Lys change remains unknown at this time.

GeneDx
Classification: Likely benign. Last evaluated: 2020-07-27. Review status: criteria provided, single submitter. Criteria: GeneDx Variant Classification Process June 2021. Collection method: clinical testing. Allele origin: germline. Affected: yes.
Comment: This variant is associated with the following publications: (PMID: 29084058)

Department of Pathology and Laboratory Medicine, Sinai Health System
Classification: Benign for Normophosphatemic familial tumoral calcinosis; MIRAGE syndrome; Monosomy 7 myelodysplasia and leukemia syndrome 2. Last evaluated: 2020-06-30. Review status: criteria provided, single submitter. Criteria: ACMG Guidelines, 2015. Collection method: research. Allele origin: germline.

Breakthrough Genomics
Classification: Likely benign. Review status: criteria provided, single submitter. Criteria: ACMG Guidelines, 2015. Collection method: not provided. Allele origin: germline. Inheritance: Autosomal recessive inheritance. Affected: yes.

PreventionGenetics, part of Exact Sciences
Classification: Likely benign for SAMD9-related condition. Last evaluated: 2022-02-10. Review status: no assertion criteria provided. Collection method: clinical testing. Allele origin: germline. Not counted in ClinVar's aggregate classification.
Comment: This variant is classified as likely benign based on ACMG/AMP sequence variant interpretation guidelines (Richards et al. 2015 PMID: 25741868, with internal and published modifications).

Clinical Genetics DNA and cytogenetics Diagnostics Lab, Erasmus MC, Erasmus Medical Center
Classification: Likely benign. Review status: no assertion criteria provided. Collection method: clinical testing. Allele origin: germline. Affected: yes. Study: VKGL Data-share Consensus. Not counted in ClinVar's aggregate classification.

Genome Diagnostics Laboratory, University Medical Center Utrecht
Classification: Likely benign. Review status: no assertion criteria provided. Collection method: clinical testing. Allele origin: germline. Affected: yes. Study: VKGL Data-share Consensus. Not counted in ClinVar's aggregate classification.